The following is an entry in ClinVar:

NM_173660.5(DOK7):c.36G>T (p.Lys12Asn)

Gene: DOK7 (docking protein 7; plus strand). Cytogenetic location: 4p16.3.
Variant type: single nucleotide variant.
Coding change: c.36G>T on transcript NM_173660.5 (MANE Select); coding-DNA position 36, G replaced by T.
Protein change: p.Lys12Asn; replaces lysine 12 with asparagine.
Molecular consequence: missense variant.
Genome position (GRCh38, 1-based): chr4:3,463,411, G>T. VCF-style: chr4-3463411-G-T. GRCh37 (hg19) VCF-style: chr4-3465138-G-T.
Other names: c.36G>T, p.Lys12Asn (NM_001164673.2, NM_001301071.2, NM_001363811.2); short protein forms K12N.
Identifiers: ClinVar variation 943714 (VCV000943714.13), dbSNP rs368106071, ClinGen allele CA2828817.
Genomic context (GRCh38, chr4:3,463,411, plus strand): 5'-CGGCGGCGCGGAACCATGACAGAAGATGACCGAGGCGGCGCTGGTGGAGGGCCAGGTCAA[G>T]CTGCGGGACGGCAAGAAGGTCGGGGCGCGTCGGGGGCGCGGGGGGGGGGGGCGCGGGCGC-3'
Protein context (NP_775931.3, residues 2-22): TEAALVEGQV[Lys12Asn]LRDGKKWKSR

ClinVar aggregate classification (germline): Uncertain significance. Review status: criteria provided, multiple submitters, no conflicts (2 of 4 stars). 2 submissions from 2 submitters: Uncertain significance (2). Last evaluated 2023-04-24.

Conditions:
Inborn genetic diseases. Identifiers: MedGen C0950123, MeSH D030342.
Fetal akinesia deformation sequence 1 (FADS1). Also called: Pena-Shokeir syndrome type I; Fetal akinesia sequence. Identifiers: Orphanet 994, MedGen C1276035, MONDO:0100101, OMIM 208150, HP:0001989.
Congenital myasthenic syndrome 10. Also called: Myasthenia, limb-girdle, familial. Identifiers: Orphanet 590, MedGen C1850792, MONDO:0009690, OMIM 254300.

Allele frequency attached by ClinVar (database versions not stated): gnomAD 0.00003; TOPMed 0.00003; gnomAD exomes 0.00006; ExAC 0.00013; ESP Exome Variant Server 0.00018.
gnomAD v4.1: 55 of 1,469,870 alleles (0.0037%); highest among the groups gnomAD compares: Non-Finnish European, 0.0046%; no homozygotes.

Submissions (2):

Ambry Genetics
Classification: Uncertain significance for Inborn genetic diseases. Last evaluated: 2023-04-24. Review status: criteria provided, single submitter. Criteria: Ambry Variant Classification Scheme 2023. Collection method: clinical testing. Allele origin: germline.

Labcorp Genetics (formerly Invitae), Labcorp
Classification: Uncertain significance for Congenital myasthenic syndrome 10; Fetal akinesia deformation sequence 1. Last evaluated: 2022-07-05. Review status: criteria provided, single submitter. Criteria: Invitae Variant Classification Sherloc (09022015). Collection method: clinical testing. Allele origin: germline.
Comment: This sequence change replaces lysine, which is basic and polar, with asparagine, which is neutral and polar, at codon 12 of the DOK7 protein (p.Lys12Asn). The frequency data for this variant in the population databases is considered unreliable, as metrics indicate poor data quality at this position in the gnomAD database. This variant has not been reported in the literature in individuals affected with DOK7-related conditions. ClinVar contains an entry for this variant (Variation ID: 943714). Algorithms developed to predict the effect of missense changes on protein structure and function are either unavailable or do not agree on the potential impact of this missense change (SIFT: "Deleterious"; PolyPhen-2: "Benign"; Align-GVGD: "Class C0"). Algorithms developed to predict the effect of sequence changes on RNA splicing suggest that this variant may create or strengthen a splice site. In summary, the available evidence is currently insufficient to determine the role of this variant in disease. Therefore, it has been classified as a Variant of Uncertain Significance.